The following is an entry in ClinVar:

NM_015141.4(GPD1L):c.396G>A (p.Lys132=)

Gene: GPD1L (glycerol-3-phosphate dehydrogenase 1 like; plus strand). Cytogenetic location: 3p22.3.
Variant type: single nucleotide variant.
Coding change: c.396G>A on transcript NM_015141.4 (MANE Select); coding-DNA position 396, G replaced by A.
Protein change: p.Lys132=; no amino-acid change (lysine 132 retained).
Molecular consequence: synonymous variant.
Genome position (GRCh38, 1-based): chr3:32,140,257, G>A. VCF-style: chr3-32140257-G-A. GRCh37 (hg19) VCF-style: chr3-32181749-G-A.
Other names: p.K132K:AAG>AAA.
Identifiers: ClinVar variation 190762 (VCV000190762.17), dbSNP rs61741845, ClinGen allele CA334807.
Genomic context (GRCh38, chr3:32,140,257, plus strand): 5'-GTTCTCTCCTAACTTCTTGGCATCCTTGTAGGGCATAGACGAGGGCCCCGAGGGGCTGAA[G>A]CTCATTTCTGACATCATCCGTGAGAAGATGGGTATTGACATCAGTGTGCTGATGGGAGCC-3'
Protein context (NP_055956.1, residues 122-142): KGIDEGPEGL[Lys132=]LISDIIREKM

ClinVar aggregate classification (germline): Benign/Likely benign. Review status: criteria provided, multiple submitters, no conflicts (2 of 4 stars). 4 submissions from 4 submitters: Benign (3); Likely benign (1). Last evaluated 2026-02-01.

Conditions:
Cardiovascular phenotype. Identifiers: MedGen CN230736.
Brugada syndrome. Also called: Sudden unexplained nocturnal death syndrome; Sudden unexpected nocturnal death syndrome; Sudden Unexplained Death Syndrome; Sudden Unexplained Nocturnal Death Syndrome (SUNDS). Identifiers: Orphanet 130, MedGen C1142166, MONDO:0015263.

Allele frequency attached by ClinVar (database versions not stated): gnomAD 0.00618 and 0.00597; ESP Exome Variant Server 0.00692; TOPMed 0.00741; 1000 Genomes Project 0.00938; gnomAD exomes 0.00059 and 0.00162; ExAC 0.00200; 1000 Genomes Project 30x 0.00968.
gnomAD v4.1: 1,792 of 1,614,090 alleles (0.11%); highest among the groups gnomAD compares: African/African-American, 2.1%; 16 homozygotes.

Submissions (4):

Labcorp Genetics (formerly Invitae), Labcorp
Classification: Benign for Brugada syndrome. Last evaluated: 2026-02-01. Review status: criteria provided, single submitter. Criteria: Invitae Variant Classification Sherloc (09022015). Collection method: clinical testing. Allele origin: germline.

Blueprint Genetics
Classification: Likely benign. Last evaluated: 2024-11-01. Review status: criteria provided, single submitter. Criteria: ACMG Guidelines, 2015. Collection method: clinical testing. Allele origin: germline.

Ambry Genetics
Classification: Benign for Cardiovascular phenotype. Last evaluated: 2015-07-27. Review status: criteria provided, single submitter. Criteria: Ambry Variant Classification Scheme 2023. Collection method: clinical testing. Allele origin: germline.

GeneDx
Classification: Benign. Last evaluated: 2014-07-28. Review status: criteria provided, single submitter. Criteria: GeneDx Variant Classification (06012015). Collection method: clinical testing. Allele origin: germline. Affected: yes.
Comment: This variant is considered likely benign or benign based on one or more of the following criteria: it is a conservative change, it occurs at a poorly conserved position in the protein, it is predicted to be benign by multiple in silico algorithms, and/or has population frequency not consistent with disease.